The following is an entry in ClinVar:

NM_020461.4(TUBGCP6):c.530A>G (p.Glu177Gly)

Gene: TUBGCP6 (tubulin gamma complex component 6; minus strand). Cytogenetic location: 22q13.33.
Variant type: single nucleotide variant.
Coding change: c.530A>G on transcript NM_020461.4 (MANE Select); coding-DNA position 530, A replaced by G.
Protein change: p.Glu177Gly; replaces glutamic acid 177 with glycine.
Molecular consequence: missense variant.
Genome position (GRCh38, 1-based): chr22:50,243,930, T>C on the plus strand (A>G on the coding strand, the complement: TUBGCP6 is on the minus strand). VCF-style: chr22-50243930-T-C. GRCh37 (hg19) VCF-style: chr22-50682359-T-C.
Other names: short protein forms E177G.
Identifiers: ClinVar variation 1964138 (VCV001964138.5), dbSNP rs2519211763, ClinGen allele CA412115035.

ClinVar aggregate classification (germline): Uncertain significance (1 of 4 stars; one submission).

Submission:

Labcorp Genetics (formerly Invitae), Labcorp
Classification: Uncertain significance. Last evaluated: 2021-12-18. Review status: criteria provided, single submitter. Criteria: Invitae Variant Classification Sherloc (09022015). Collection method: clinical testing. Allele origin: germline.
Comment: This sequence change replaces glutamic acid, which is acidic and polar, with glycine, which is neutral and non-polar, at codon 177 of the TUBGCP6 protein (p.Glu177Gly). In summary, the available evidence is currently insufficient to determine the role of this variant in disease. Therefore, it has been classified as a Variant of Uncertain Significance. Algorithms developed to predict the effect of missense changes on protein structure and function (SIFT, PolyPhen-2, Align-GVGD) all suggest that this variant is likely to be tolerated. This variant has not been reported in the literature in individuals affected with TUBGCP6-related conditions. This variant is not present in population databases (gnomAD no frequency).